The following is an entry in ClinVar:

ClinVar aggregate classification (germline): Likely benign (1 of 4 stars; one submission).

Conditions:
Marfan syndrome (MFS). Also called: MARFAN SYNDROME, TYPE I; Marfan syndrome type 1; Marfan's syndrome; Marfan syndrome, classic; FBN1-Related Marfan Syndrome. Identifiers: Orphanet 284963, Orphanet 558, MedGen C0024796, MONDO:0007947, OMIM 154700.

Submission:

All of Us Research Program, National Institutes of Health
Classification: Likely benign for Marfan syndrome. Last evaluated: 2023-04-03. Review status: criteria provided, single submitter. Criteria: ACMG Guidelines, 2015. Collection method: clinical testing. Allele origin: germline. Inheritance: Autosomal dominant inheritance. Observed: 1 variant allele, 1 heterozygote.
Comment: This study involves interpretation of variants in research participants for the purpose of population health screening. Participant phenotype was not available at the time of variant classification. Additional details can be found in publication PMID: 35346344, PMCID: PMC8962531

NM_000138.5(FBN1):c.1911T>C (p.Cys637=)

Gene: FBN1 (fibrillin 1; minus strand). Cytogenetic location: 15q21.1.
Variant type: single nucleotide variant.
Coding change: c.1911T>C on transcript NM_000138.5 (MANE Select); coding-DNA position 1911, T replaced by C.
Protein change: p.Cys637=; no amino-acid change (cysteine 637 retained).
Molecular consequence: synonymous variant.
Genome position (GRCh38, 1-based): chr15:48,505,074, A>G on the plus strand (T>C on the coding strand, the complement: FBN1 is on the minus strand). VCF-style: chr15-48505074-A-G. GRCh37 (hg19) VCF-style: chr15-48797271-A-G.
Other names: c.1911T>C, p.Cys637= (NM_001406716.1).
Identifiers: ClinVar variation 3070216 (VCV003070216.1), dbSNP rs2505594875, ClinGen allele CA490025691.
Genomic context (GRCh38, chr15:48,505,074, plus strand): 5'-TGTTTTCTTACCAACACACACACGGCCATCCAGACCCACAGCCAGTCCAGGGAAGCATTC[A>G]CATCTGTAGGAGCCATCAGTGTTGACGCAACGCCCATTCATGCAGATCCCAGGGGTTTCA-3'
Protein context (NP_000129.3, residues 627-647): RCVNTDGSYR[Cys637=]ECFPGLAVGL